The following is an entry in ClinVar:

ClinVar aggregate classification (germline): Pathogenic (1 of 4 stars; one submission).

Conditions:
Hereditary factor IX deficiency disease (HEMB). Also called: Hemophilia B; F9 DEFICIENCY; FACTOR IX DEFICIENCY; PLASMA THROMBOPLASTIN COMPONENT DEFICIENCY; Christmas Disease. Identifiers: Orphanet 98879, MedGen C0008533, MeSH D002836, MONDO:0010604, OMIM 306900.
Thrombophilia, X-linked, due to factor 9 defect. Identifiers: MedGen C2749016, MONDO:0010432, OMIM 300807.

Submission:

Labcorp Genetics (formerly Invitae), Labcorp
Classification: Pathogenic for Thrombophilia, X-linked, due to factor 9 defect; Hereditary factor IX deficiency disease. Last evaluated: 2020-03-25. Review status: criteria provided, single submitter. Criteria: Invitae Variant Classification Sherloc (09022015). Collection method: clinical testing. Allele origin: germline.
Comment: For these reasons, this variant has been classified as Pathogenic. Loss-of-function variants in F9 are known to be pathogenic (PMID: 20301668). This variant has not been reported in the literature in individuals with F9-related conditions. This variant is not present in population databases (ExAC no frequency). This sequence change creates a premature translational stop signal (p.Thr81Asnfs*2) in the F9 gene. It is expected to result in an absent or disrupted protein product.

Literature cited by the submitters: PubMed 20301668.

NM_000133.4(F9):c.237_247del (p.Thr81fs)

Gene: F9 (coagulation factor IX; plus strand). Cytogenetic location: Xq27.1.
Variant type: Deletion.
Coding change: c.237_247del on transcript NM_000133.4 (MANE Select); coding-DNA positions 237 to 247, 11 bases deleted (AAACACTGAAA).
Protein change: p.Thr81fs; shifts the reading frame from threonine 81.
Molecular consequence: frameshift variant.
Genome position (GRCh38, 1-based): chrX:139,537,158-139,537,168, AAACACTGAAA deleted; deleting any 11 consecutive bases within chrX:139,537,157-139,537,168 gives the same sequence; the c. name uses the placement nearest the transcript's 3' end. VCF-style (leftmost placement, unchanged base first): chrX-139537156-GAAAACACTGAA-G. GRCh37 (hg19) VCF-style: chrX-138619315-GAAAACACTGAA-G.
Other names: c.237_247del, p.Thr81fs (NM_001313913.2); short protein forms T81fs.
Identifiers: ClinVar variation 1071223 (VCV001071223.9), dbSNP rs2148356221, ClinGen allele CA2499226393.